The following is an entry in ClinVar:

NM_001256789.3(CACNA1F):c.2443G>A (p.Gly815Ser)

Gene: CACNA1F (calcium voltage-gated channel subunit alpha1 F; minus strand). Cytogenetic location: Xp11.23.
Variant type: single nucleotide variant.
Coding change: c.2443G>A on transcript NM_001256789.3 (MANE Select); coding-DNA position 2443, G replaced by A.
Protein change: p.Gly815Ser; replaces glycine 815 with serine.
Molecular consequence: missense variant.
Genome position (GRCh38, 1-based): chrX:49,219,734, C>T on the plus strand (G>A on the coding strand, the complement: CACNA1F is on the minus strand). VCF-style: chrX-49219734-C-T. GRCh37 (hg19) VCF-style: chrX-49076193-C-T.
Other names: c.2476G>A (NM_005183.2); c.2281G>A, p.Gly761Ser (NM_001256790.3); c.2476G>A, p.Gly826Ser (NM_005183.4); short protein forms G815S, G826S, G761S.
Identifiers: ClinVar variation 1423520 (VCV001423520.9), dbSNP rs1427667561, ClinGen allele CA412965675.

ClinVar aggregate classification (germline): Uncertain significance. Review status: criteria provided, multiple submitters, no conflicts (2 of 4 stars). 2 submissions from 2 submitters: Uncertain significance (2). Last evaluated 2025-12-11.

Conditions:
Inborn genetic diseases. Identifiers: MedGen C0950123, MeSH D030342.

Allele frequency attached by ClinVar (database versions not stated): gnomAD 0.00001 and 0.00002; gnomAD exomes below 0.00001; TOPMed 0.00004.
gnomAD v4.1: 6 of 1,177,402 alleles (0.00051%); highest among the groups gnomAD compares: African/African-American, 0.0094%; no homozygotes.

Submissions (2):

Labcorp Genetics (formerly Invitae), Labcorp
Classification: Uncertain significance. Last evaluated: 2025-12-11. Review status: criteria provided, single submitter. Criteria: Invitae Variant Classification Sherloc (09022015). Collection method: clinical testing. Allele origin: germline.
Comment: This sequence change replaces glycine, which is neutral and non-polar, with serine, which is neutral and polar, at codon 826 of the CACNA1F protein (p.Gly826Ser). The frequency data for this variant in the population databases is considered unreliable, as metrics indicate poor data quality at this position in the gnomAD database. This variant has not been reported in the literature in individuals affected with CACNA1F-related conditions. ClinVar contains an entry for this variant (Variation ID: 1423520). Invitae Evidence Modeling of protein sequence and biophysical properties (such as structural, functional, and spatial information, amino acid conservation, physicochemical variation, residue mobility, and thermodynamic stability) indicates that this missense variant is not expected to disrupt CACNA1F protein function with a negative predictive value of 80%. In summary, the available evidence is currently insufficient to determine the role of this variant in disease. Therefore, it has been classified as a Variant of Uncertain Significance.

Ambry Genetics
Classification: Uncertain significance for Inborn genetic diseases. Last evaluated: 2025-05-19. Review status: criteria provided, single submitter. Criteria: Ambry Variant Classification Scheme 2023. Collection method: clinical testing. Allele origin: germline.